The following is an entry in ClinVar:

NM_001164508.2(NEB):c.12704_12710delinsAC (p.Ile4235fs)

Gene: NEB (nebulin; minus strand). Cytogenetic location: 2q23.3.
Variant type: Indel.
Coding change: c.12704_12710delinsAC on transcript NM_001164508.2 (MANE Select); coding-DNA positions 12704 to 12710, TTGAAAT replaced by AC.
Protein change: p.Ile4235fs; shifts the reading frame from isoleucine 4235.
Molecular consequence: frameshift variant. On other transcripts: intron variant (1).
Genome position (GRCh38, 1-based): chr2:151,606,643-151,606,649, ATTTCAA replaced by GT on the plus strand (TTGAAAT replaced by AC on the coding strand, the reverse complement: NEB is on the minus strand). VCF-style: chr2-151606643-ATTTCAA-GT. GRCh37 (hg19) VCF-style: chr2-152463157-ATTTCAA-GT.
Other names: c.12704_12710delinsAC, p.Ile4235fs (NM_001164507.2, NM_001271208.2); c.11601+3160_11601+3166delinsAC (NM_004543.5); short protein forms I4235fs.
Identifiers: ClinVar variation 4814716 (VCV004814716.1).
Genomic context (GRCh38, chr2:151,606,643, plus strand): 5'-CAAGAAAAGAGAAGGAAGCGTACCTCACTGGCAATTTCTCTGGAGGCCTTGGCGTGCTTG[ATTTCAA>GT]TGGCATCTGCCCTTATGTCATAGCCTTTCTGCTTGGCGTCATTCCAGTCTTTTTGGTAGA-3'

ClinVar aggregate classification (germline): Likely pathogenic (1 of 4 stars; one submission).

Conditions:
Nemaline myopathy 2 (NEM2). Also called: Nemaline myopathy 2, autosomal recessive. Identifiers: MedGen C1850569, MONDO:0009725, OMIM 256030.

Submission:

Natera, Inc.
Classification: Likely pathogenic for Nemaline myopathy type 2. Last evaluated: 2024-04-30. Review status: criteria provided, single submitter. Criteria: Natera Variant Classification Schema (03/2026). Collection method: clinical testing. Allele origin: germline.
Comment: The c.12704_12710delTTGAAATinsAC variant in NEB is a frameshift variant predicted to shift the reading frame beginning at codon 4235 and leads to a stop codon 13 codons downstream. This variant is expected to result in nonsense mediated decay, truncation, or a dysfunctional protein product. This variant is rare in the general population with a frequency below the threshold expected for the associated phenotype(s). Given the available evidence, this variant is classified as Likely Pathogenic.